The following is an entry in ClinVar:

ClinVar aggregate classification (germline): Benign. Review status: criteria provided, multiple submitters, no conflicts (2 of 4 stars). 5 submissions from 5 submitters: Benign (4). 1 of the submissions does not count toward it. Last evaluated 2026-01-24.

Conditions:
TARS2-related disorder. Also called: TARS2-related condition.

Allele frequency attached by ClinVar (database versions not stated): 1000 Genomes Project 30x 0.00656; 1000 Genomes Project 0.00679; TOPMed 0.00985; gnomAD 0.01105 and 0.01145; gnomAD exomes 0.01114 and 0.01589; ExAC 0.01135; ESP Exome Variant Server 0.01307.
gnomAD v4.1: 24,844 of 1,614,048 alleles (1.5%); highest among the groups gnomAD compares: Non-Finnish European, 1.9%; 213 homozygotes.

Submissions (5):

Labcorp Genetics (formerly Invitae), Labcorp
Classification: Benign. Last evaluated: 2026-01-24. Review status: criteria provided, single submitter. Criteria: Invitae Variant Classification Sherloc (09022015). Collection method: clinical testing. Allele origin: germline.

Mayo Clinic Laboratories, Mayo Clinic
Classification: Benign. Last evaluated: 2019-04-10. Review status: criteria provided, single submitter. Criteria: ACMG Guidelines, 2015. Collection method: clinical testing. Allele origin: germline. Observed: 15 variant alleles.

GeneDx
Classification: Benign. Last evaluated: 2016-02-09. Review status: criteria provided, single submitter. Criteria: GeneDx Variant Classification (06012015). Collection method: clinical testing. Allele origin: germline. Affected: yes.
Comment: This variant is considered likely benign or benign based on one or more of the following criteria: it is a conservative change, it occurs at a poorly conserved position in the protein, it is predicted to be benign by multiple in silico algorithms, and/or has population frequency not consistent with disease.

Breakthrough Genomics
Classification: Benign. Review status: criteria provided, single submitter. Criteria: ACMG Guidelines, 2015. Collection method: not provided. Allele origin: germline. Inheritance: Autosomal recessive inheritance. Affected: yes.

PreventionGenetics, part of Exact Sciences
Classification: Benign for TARS2-related condition. Last evaluated: 2019-04-08. Review status: no assertion criteria provided. Collection method: clinical testing. Allele origin: germline. Not counted in ClinVar's aggregate classification.
Comment: This variant is classified as benign based on ACMG/AMP sequence variant interpretation guidelines (Richards et al. 2015 PMID: 25741868, with internal and published modifications).

NM_025150.5(TARS2):c.1076C>T (p.Thr359Met)

Gene: TARS2 (threonyl-tRNA synthetase 2, mitochondrial; plus strand). Cytogenetic location: 1q21.2.
Variant type: single nucleotide variant.
Coding change: c.1076C>T on transcript NM_025150.5 (MANE Select); coding-DNA position 1076, C replaced by T.
Protein change: p.Thr359Met; replaces threonine 359 with methionine.
Molecular consequence: missense variant. On other transcripts: non-coding transcript variant (2).
Genome position (GRCh38, 1-based): chr1:150,497,585, C>T. VCF-style: chr1-150497585-C-T. GRCh37 (hg19) VCF-style: chr1-150470061-C-T.
Other names: p.Thr359Met; c.830C>T, p.Thr277Met (NM_001271895.2); c.686C>T, p.Thr229Met (NM_001271896.2); short protein forms T359M, T229M, T277M.
Identifiers: ClinVar variation 381177 (VCV000381177.13), dbSNP rs115720584, ClinGen allele CA1076907.